The following is an entry in ClinVar:

NM_004655.4(AXIN2):c.1383C>A (p.Ser461Arg)

Gene: AXIN2 (axin 2; minus strand). Cytogenetic location: 17q24.1.
Variant type: single nucleotide variant.
Coding change: c.1383C>A on transcript NM_004655.4 (MANE Select); coding-DNA position 1383, C replaced by A.
Protein change: p.Ser461Arg; replaces serine 461 with arginine.
Molecular consequence: missense variant.
Genome position (GRCh38, 1-based): chr17:65,537,653, G>T on the plus strand (C>A on the coding strand, the complement: AXIN2 is on the minus strand). VCF-style: chr17-65537653-G-T. GRCh37 (hg19) VCF-style: chr17-63533771-G-T.
Other names: c.1383C>A, p.Ser461Arg (NM_001363813.1); c.1383C>A (NM_004655.3); short protein forms S461R.
Identifiers: ClinVar variation 1002492 (VCV001002492.9), dbSNP rs9914661, ClinGen allele CA400677607.

ClinVar aggregate classification (germline): Uncertain significance. Review status: criteria provided, multiple submitters, no conflicts (2 of 4 stars). 2 submissions from 2 submitters: Uncertain significance (2). Last evaluated 2023-12-29.

Conditions:
Hereditary cancer-predisposing syndrome. Also called: Neoplastic Syndromes, Hereditary; Tumor predisposition; Hereditary Cancer Syndrome; Hereditary neoplastic syndrome. Identifiers: Orphanet 140162, MedGen C0027672, MeSH D009386, MONDO:0015356.
Oligodontia-cancer predisposition syndrome. Also called: TOOTH AGENESIS-COLORECTAL CANCER SYNDROME. Identifiers: Orphanet 300576, MedGen C1837750, MONDO:0012075, OMIM 608615. Disease mechanism: loss of function.

gnomAD v4.1: 2 of 1,568,740 alleles (0.00013%); no homozygotes.

Submissions (2):

Ambry Genetics
Classification: Uncertain significance for Hereditary cancer-predisposing syndrome. Last evaluated: 2023-12-29. Review status: criteria provided, single submitter. Criteria: Ambry Variant Classification Scheme 2023. Collection method: clinical testing. Allele origin: germline.
Comment: The p.S461R variant (also known as c.1383C>A), located in coding exon 5 of the AXIN2 gene, results from a C to A substitution at nucleotide position 1383. The serine at codon 461 is replaced by arginine, an amino acid with dissimilar properties. This amino acid position is highly conserved in available vertebrate species. In addition, this alteration is predicted to be deleterious by in silico analysis. Since supporting evidence is limited at this time, the clinical significance of this alteration remains unclear.

Labcorp Genetics (formerly Invitae), Labcorp
Classification: Uncertain significance for Oligodontia-cancer predisposition syndrome. Last evaluated: 2020-06-30. Review status: criteria provided, single submitter. Criteria: Invitae Variant Classification Sherloc (09022015). Collection method: clinical testing. Allele origin: germline.
Comment: In summary, the available evidence is currently insufficient to determine the role of this variant in disease. Therefore, it has been classified as a Variant of Uncertain Significance. Algorithms developed to predict the effect of missense changes on protein structure and function (SIFT, PolyPhen-2, Align-GVGD) all suggest that this variant is likely to be disruptive, but these predictions have not been confirmed by published functional studies and their clinical significance is uncertain. This variant has not been reported in the literature in individuals with AXIN2-related conditions. This variant is not present in population databases (ExAC no frequency). This sequence change replaces serine with arginine at codon 461 of the AXIN2 protein (p.Ser461Arg). The serine residue is highly conserved and there is a moderate physicochemical difference between serine and arginine.